The following is an entry in ClinVar:

ClinVar aggregate classification (germline): Likely pathogenic. Review status: criteria provided, multiple submitters, no conflicts (2 of 4 stars). 4 submissions from 4 submitters: Likely pathogenic (3). 1 of the submissions does not count toward it. Last evaluated 2025-08-20.

Conditions:
Cardiovascular phenotype. Identifiers: MedGen CN230736.
Familial long QT syndrome (RWS). Also called: Congenital long QT syndrome; Romano-Ward syndrome; VENTRICULAR FIBRILLATION WITH PROLONGED QT INTERVAL. Identifiers: Orphanet 768, MedGen C1141890, MONDO:0019171.
Long QT syndrome 1 (LQT1). Identifiers: Orphanet 101016, Orphanet 768, MedGen C4551647, MONDO:0100316, OMIM 192500, MONDO:0008646.

Submissions (4):

Victorian Clinical Genetics Services, Murdoch Childrens Research Institute
Classification: Likely pathogenic for Long QT syndrome 1. Last evaluated: 2025-08-20. Review status: criteria provided, single submitter. Criteria: ACMG Guidelines, 2015. Collection method: clinical testing. Allele origin: germline. Affected: yes.
Comment: This variant is classified as Likely pathogenic. Evidence in support of pathogenic classification: Variant is absent from gnomAD (v2, v3 and v4); This variant has moderate previous evidence of pathogenicity in unrelated individuals. This variant has been classified as likely pathogenic by clinical laboratories in ClinVar, and has been reported in the literature in a LQTS cohort (PMID: 16414944); Variant is located in a hotspot region or cluster of PATHOGENIC variants (DECIPHER). - Missense variant predicted to be damaging by in silico tool(s) or highly conserved with a major amino acid change. Additional information: Variant is predicted to result in a missense amino acid change from histidine to arginine; This variant is heterozygous; This gene is known to be associated with both recessive and dominant disease. JLNS is characterised by congenital, bilateral deafness and variable degrees of QT prolongation, and is the only condition caused by biallelic variants (PMID: 28438721); Alternative amino acid change(s) at the same position are present in gnomAD (Highest allele count: v2: 1 heterozygote(s), 0 homozygote(s)) ; No published segregation evidence has been identified for this variant; This variant has moderate functional evidence supporting abnormal protein function. Patch clamp assays have shown that the p.(His258Arg) variant impairs channel function (PMID: 19913547). - No comparable missense variants have previous evidence for pathogenicity. However, multiple other missense variants with a higher Grantham score including p.(His258Pro), p.(His258Asn) and p.(His258Leu), have been classified as pathogenic in ClinVar and/or reported in the literature in individuals with LQTS (PMIDs: 35580545, 16414944); Dominant negative, loss of function and gain of function are known mechanisms of disease in this gene. Gain of function variants result exclusively in short QT syndrome 2 (MIM#609621), while dominant negative and loss of function variants can cause long QT syndrome 1 (LQTS, MIM#192500), familial atrial fibrillation 3 (MIM#607554) as well as Jervell and Lange-Nielsen syndrome (JLNS, MIM#220400) (OMIM, PMIDs: 19632626, 28438721); The condition associated with this gene has incomplete penetrance (OMIM, PMID: 20301308).

Ambry Genetics
Classification: Likely pathogenic for Cardiovascular phenotype. Last evaluated: 2023-10-30. Review status: criteria provided, single submitter. Criteria: Ambry Variant Classification Scheme 2023. Collection method: clinical testing. Allele origin: germline.
Comment: The p.H258R variant (also known as c.773A>G), located in coding exon 5 of the KCNQ1 gene, results from an A to G substitution at nucleotide position 773. The histidine at codon 258 is replaced by arginine, an amino acid with highly similar properties. This variant has been detected in long QT syndrome cohorts; however, details were limited (Napolitano C et al. JAMA, 2005 Dec;294:2975-80; Itoh H et al. Eur J Hum Genet, 2016 Aug;24:1160-6; Schwartz PJ et al. Eur Heart J, 2021 Dec;42:4743-4755). This alteration has also been reported in a sudden cardiac death cohort (Guo L et al. JAMA Cardiol, 2021 Sep;6:1013-1022). This variant was reported to result in both a gain-of-function effect on channel kinetics as well as a loss-of-function trafficking defect in in vitro assays (Labro AJ et al. J Mol Cell Cardiol, 2010 Jun;48:1096-104). This variant is considered to be rare based on population cohorts in the Genome Aggregation Database (gnomAD). This amino acid position is highly conserved in available vertebrate species. In addition, this alteration is predicted to be deleterious by in silico analysis. Based on the majority of available evidence to date, this variant is likely to be pathogenic.

GeneDx
Classification: Likely pathogenic. Last evaluated: 2019-05-01. Review status: criteria provided, single submitter. Criteria: GeneDx Variant Classification Process June 2021. Collection method: clinical testing. Allele origin: germline. Affected: yes.
Comment: Reported in association with LQTS (Napolitano et al., 2005); Not observed in large population cohorts (Lek et al., 2016); In silico analysis, which includes protein predictors and evolutionary conservation, supports a deleterious effect; Published functional studies in CHO cells suggest this variant impairs channel trafficking (Labro et al., 2010); This variant is associated with the following publications: (PMID: 21059661, 16414944, 19913547)

Cardiovascular Biomedical Research Unit, Royal Brompton & Harefield NHS Foundation Trust
No classification provided. Condition: Familial long QT syndrome. Review status: no classification provided. Collection method: literature only. Allele origin: germline. Not counted in ClinVar's aggregate classification.
Comment: This variant has been reported as associated with Long QT syndrome in the following publications (PMID:16414944;PMID:19913547). This is a literature report, and does not necessarily reflect the clinical interpretation of the Imperial College / Royal Brompton Cardiovascular Genetics laboratory.

Literature cited by the submitters: PubMed 16414944 (cited by 3 submitters); PubMed 35580545 (cited by Victorian Clinical Genetics Services, Murdoch Childrens Research Institute); PubMed 19913547 (cited by 3 submitters); PubMed 28438721 (cited by Victorian Clinical Genetics Services, Murdoch Childrens Research Institute); PubMed 20301308 (cited by Victorian Clinical Genetics Services, Murdoch Childrens Research Institute); PubMed 19632626 (cited by Victorian Clinical Genetics Services, Murdoch Childrens Research Institute); PubMed 26669661 (cited by Ambry Genetics); PubMed 28575668 (cited by Ambry Genetics); PubMed 32893267 (cited by Ambry Genetics); PubMed 34076677 (cited by Ambry Genetics); PubMed 34505893 (cited by Ambry Genetics); PubMed 22581653 (cited by Cardiovascular Biomedical Research Unit, Royal Brompton & Harefield NHS Foundation Trust).

NM_000218.3(KCNQ1):c.773A>G (p.His258Arg)

Gene: KCNQ1 (potassium voltage-gated channel subfamily Q member 1; plus strand). Cytogenetic location: 11p15.5.
Variant type: single nucleotide variant.
Coding change: c.773A>G on transcript NM_000218.3 (MANE Select); coding-DNA position 773, A replaced by G.
Protein change: p.His258Arg; replaces histidine 258 with arginine.
Molecular consequence: missense variant.
Genome position (GRCh38, 1-based): chr11:2,572,102, A>G. VCF-style: chr11-2572102-A-G. GRCh37 (hg19) VCF-style: chr11-2593332-A-G.
Other names: p.H258R:CAC>CGC; c.773A>G (LRG_287t1); c.773A>G, p.His258Arg (NM_001406836.1); c.503A>G, p.His168Arg (NM_001406837.1); c.392A>G, p.His131Arg (NM_181798.2); short protein forms H258R, H131R, H168R.
Identifiers: ClinVar variation 53099 (VCV000053099.9), dbSNP rs199472718, ClinGen allele CA008167.